The following is an entry in ClinVar:

NM_006206.6(PDGFRA):c.2643T>G (p.Tyr881Ter)

Gene: PDGFRA (platelet derived growth factor receptor alpha; plus strand). Cytogenetic location: 4q12.
Variant type: single nucleotide variant.
Coding change: c.2643T>G on transcript NM_006206.6 (MANE Select); coding-DNA position 2643, T replaced by G.
Protein change: p.Tyr881Ter; replaces tyrosine 881 with a stop codon.
Molecular consequence: nonsense.
Genome position (GRCh38, 1-based): chr4:54,287,510, T>G. VCF-style: chr4-54287510-T-G. GRCh37 (hg19) VCF-style: chr4-55153677-T-G.
Other names: c.2718T>G, p.Tyr906Ter (NM_001347828.2); c.2643T>G, p.Tyr881Ter (NM_001347829.2); c.2682T>G, p.Tyr894Ter (NM_001347830.2); short protein forms Y906*, Y881*, Y894*.
Identifiers: ClinVar variation 4715440 (VCV004715440.1).

ClinVar aggregate classification (germline): Uncertain significance (1 of 4 stars; one submission).

Conditions:
Gastrointestinal stromal tumor. Also called: Gastrointestinal stromal tumor, somatic; Gastrointestinal stroma tumor. Identifiers: Orphanet 44890, MedGen C0238198, MeSH D046152, MONDO:0011719, OMIM 606764, HP:0100723.

Submission:

Labcorp Genetics (formerly Invitae), Labcorp
Classification: Uncertain significance for Gastrointestinal stromal tumor. Last evaluated: 2025-11-13. Review status: criteria provided, single submitter. Criteria: Invitae Variant Classification Sherloc (09022015). Collection method: clinical testing. Allele origin: germline.
Comment: This sequence change creates a premature translational stop signal (p.Tyr881*) in the PDGFRA gene. It is expected to result in an absent or disrupted protein product. However, the current clinical and genetic evidence is not sufficient to establish whether loss-of-function variants in PDGFRA cause disease. This variant is not present in population databases (gnomAD no frequency). This variant has not been reported in the literature in individuals affected with PDGFRA-related conditions. Algorithms developed to predict the effect of sequence changes on RNA splicing suggest that this variant may disrupt the consensus splice site. In summary, the available evidence is currently insufficient to determine the role of this variant in disease. Therefore, it has been classified as a Variant of Uncertain Significance.